The following is an entry in ClinVar:

NM_032043.3(BRIP1):c.2315C>T (p.Ser772Leu)

Gene: BRIP1 (BRCA1 interacting DNA helicase 1; minus strand). Cytogenetic location: 17q23.2.
Variant type: single nucleotide variant.
Coding change: c.2315C>T on transcript NM_032043.3 (MANE Select); coding-DNA position 2315, C replaced by T.
Protein change: p.Ser772Leu; replaces serine 772 with leucine.
Molecular consequence: missense variant.
Genome position (GRCh38, 1-based): chr17:61,743,077, G>A on the plus strand (C>T on the coding strand, the complement: BRIP1 is on the minus strand). VCF-style: chr17-61743077-G-A. GRCh37 (hg19) VCF-style: chr17-59820438-G-A.
Other names: short protein forms S772L.
Identifiers: ClinVar variation 2118386 (VCV002118386.4), dbSNP rs2144677625, ClinGen allele CA400482648.

ClinVar aggregate classification (germline): Uncertain significance (1 of 4 stars; one submission).

Conditions:
Fanconi anemia complementation group J. Also called: BRIP1-Related Fanconi Anemia. Identifiers: Orphanet 84, MedGen C1836860, MONDO:0012187, OMIM 609054.
Familial cancer of breast. Also called: BREAST CANCER, FAMILIAL; hereditary breast carcinoma; Hereditary breast cancer. Identifiers: Orphanet 227535, MedGen C0346153, MONDO:0016419, OMIM 114480. Disease mechanism: loss of function.

Allele frequency attached by ClinVar (database versions not stated): gnomAD exomes below 0.00001.
gnomAD v4.1: 1 of 1,613,844 alleles (0.000062%); highest among the groups gnomAD compares: African/African-American, 0.0013%; no homozygotes.

Submission:

Labcorp Genetics (formerly Invitae), Labcorp
Classification: Uncertain significance for Familial cancer of breast; Fanconi anemia complementation group J. Last evaluated: 2023-02-10. Review status: criteria provided, single submitter. Criteria: Invitae Variant Classification Sherloc (09022015). Collection method: clinical testing. Allele origin: germline.
Comment: This sequence change replaces serine, which is neutral and polar, with leucine, which is neutral and non-polar, at codon 772 of the BRIP1 protein (p.Ser772Leu). This variant is not present in population databases (gnomAD no frequency). This variant has not been reported in the literature in individuals affected with BRIP1-related conditions. Advanced modeling of protein sequence and biophysical properties (such as structural, functional, and spatial information, amino acid conservation, physicochemical variation, residue mobility, and thermodynamic stability) performed at Invitae indicates that this missense variant is not expected to disrupt BRIP1 protein function. In summary, the available evidence is currently insufficient to determine the role of this variant in disease. Therefore, it has been classified as a Variant of Uncertain Significance.